The following is an entry in ClinVar:

NM_000059.4(BRCA2):c.7846del (p.Ser2616fs)

Gene: BRCA2 (BRCA2 DNA repair associated; plus strand). Cytogenetic location: 13q13.1.
Variant type: Deletion.
Coding change: c.7846del on transcript NM_000059.4 (MANE Select); coding-DNA position 7846, one base deleted (T; older notation c.7846delT).
Protein change: p.Ser2616fs; shifts the reading frame from serine 2616.
Molecular consequence: frameshift variant.
Genome position (GRCh38, 1-based): chr13:32,362,563, T deleted; the last of 3 consecutive T bases (chr13:32,362,561-32,362,563); deleting any one gives the same sequence. VCF-style (leftmost placement, unchanged base first): chr13-32362560-AT-A. GRCh37 (hg19) VCF-style: chr13-32936697-AT-A.
Other names: c.7846delT (NM_000059.3).
Identifiers: ClinVar variation 52425 (VCV000052425.20), dbSNP rs397507940, ClinGen allele CA025305.
Genomic context (GRCh38, chr13:32,362,560, plus strand): 5'-ATATTCTACTTTTATTTGTTCAGGGCTCTGTGTGACACTCCAGGTGTGGATCCAAAGCTT[AT>A]TTCTAGAATTTGGGTTTATAATCACTATAGATGGATCATATGGAAACTGGCAGCTATGGA-3'

ClinVar aggregate classification (germline): Pathogenic. Review status: reviewed by expert panel (3 of 4 stars). 10 submissions from 10 submitters: Pathogenic (1). 9 of the submissions do not count toward it. Last evaluated 2016-09-08.

Conditions:
Hereditary cancer-predisposing syndrome. Also called: Hereditary Cancer Syndrome; Hereditary neoplastic syndrome; Tumor predisposition; Neoplastic Syndromes, Hereditary. Identifiers: Orphanet 140162, MedGen C0027672, MeSH D009386, MONDO:0015356.
Hereditary breast ovarian cancer syndrome. Also called: Hereditary breast and ovarian cancer syndrome (HBOC); Breast and ovarian cancer; Hereditary breast and ovarian cancer syndrome; Hereditary breast and ovarian cancer; BRCA1- and BRCA2-Associated Hereditary Breast and Ovarian Cancer; Hereditary breast and/or ovarian cancer syndrome. Identifiers: Orphanet 145, MedGen C0677776, MeSH D061325, MONDO:0003582. Disease mechanism: loss of function.
Breast-ovarian cancer, familial, susceptibility to, 2 (BROVCA2). Also called: BRCA2 Hereditary Breast and Ovarian Cancer. Identifiers: Orphanet 145, MedGen C2675520, MONDO:0012933, OMIM 612555. Disease mechanism: loss of function.

Submissions (10):

Evidence-based Network for the Interpretation of Germline Mutant Alleles (ENIGMA)
Classification: Pathogenic for Breast-ovarian cancer, familial, susceptibility to, 2. Last evaluated: 2016-09-08. Review status: reviewed by expert panel. Criteria: ENIGMA BRCA1/2 Classification Criteria (2015). Collection method: curation. Allele origin: germline.
Comment: Variant allele predicted to encode a truncated non-functional protein.

Ambry Genetics
Classification: Pathogenic for Hereditary cancer-predisposing syndrome. Last evaluated: 2025-09-05. Review status: criteria provided, single submitter. Criteria: Ambry Variant Classification Scheme 2023. Collection method: clinical testing. Allele origin: germline. Not counted in ClinVar's aggregate classification.
Comment: The c.7846delT pathogenic mutation, located in coding exon 16 of the BRCA2 gene, results from a deletion of one nucleotide at nucleotide position 7846, causing a translational frameshift with a predicted alternate stop codon (p.S2616Lfs*32). This variant is considered to be rare based on population cohorts in the Genome Aggregation Database (gnomAD). This alteration is expected to result in loss of function by premature protein truncation or nonsense-mediated mRNA decay. As such, this alteration is interpreted as a disease-causing mutation.

Color Diagnostics, LLC DBA Color Health
Classification: Pathogenic for Hereditary cancer-predisposing syndrome. Last evaluated: 2025-07-14. Review status: criteria provided, single submitter. Criteria: ACMG Guidelines, 2015. Collection method: clinical testing. Allele origin: germline. Not counted in ClinVar's aggregate classification.
Comment: This variant deletes 1 nucleotide in exon 17 of the BRCA2 gene, creating a frameshift and premature translation stop signal. This variant is expected to result in an absent or non-functional protein product. This variant has been reported in individuals with personal and/or family history of breast and/or ovarian cancer (PMID: 11802209, 2377269). This variant has not been identified in the general population by the Genome Aggregation Database (gnomAD). Loss of BRCA2 function is a known mechanism of disease. Based on the available evidence, this variant is classified as Pathogenic.

Labcorp Genetics (formerly Invitae), Labcorp
Classification: Pathogenic for Hereditary breast ovarian cancer syndrome. Last evaluated: 2024-12-12. Review status: criteria provided, single submitter. Criteria: Invitae Variant Classification Sherloc (09022015). Collection method: clinical testing. Allele origin: germline. Not counted in ClinVar's aggregate classification.
Comment: This sequence change creates a premature translational stop signal (p.Ser2616Leufs*32) in the BRCA2 gene. It is expected to result in an absent or disrupted protein product. Loss-of-function variants in BRCA2 are known to be pathogenic (PMID: 20104584). This variant is not present in population databases (gnomAD no frequency). This premature translational stop signal has been observed in individual(s) with personal and/or family history of breast and/or ovarian cancer (PMID: 11802209, 24156927). This variant is also known as 8074delT and/or 2647X. ClinVar contains an entry for this variant (Variation ID: 52425). For these reasons, this variant has been classified as Pathogenic.

MVZ Medizinische Genetik Mainz
Classification: Pathogenic for Breast-ovarian cancer, familial, susceptibility to, 2. Last evaluated: 2024-05-23. Review status: criteria provided, single submitter. Criteria: UK Practice Guidelines For Variant Classification V4 01 2020. Collection method: clinical testing. Allele origin: germline. Inheritance: Autosomal dominant inheritance. Affected: yes. Observed: 1 variant allele. Not counted in ClinVar's aggregate classification.
Comment: ACMG Criteria: PVS1,PM5_STR,PM2_SUP

Revvity Omics, Revvity
Classification: Likely pathogenic. Last evaluated: 2022-09-26. Review status: criteria provided, single submitter. Criteria: ACMG Guidelines, 2015. Collection method: clinical testing. Allele origin: germline. Not counted in ClinVar's aggregate classification.

GeneDx
Classification: Pathogenic. Last evaluated: 2017-03-13. Review status: criteria provided, single submitter. Criteria: GeneDx Variant Classification (06012015). Collection method: clinical testing. Allele origin: germline. Affected: yes. Not counted in ClinVar's aggregate classification.
Comment: This deletion of one nucleotide in BRCA2 is denoted c.7846delT at the cDNA level and p.Ser2616LeufsX32 (S2616LfsX32) at the protein level. Using alternate nomenclature, this variant would be defined as BRCA2 8074delT. The normal sequence, with the base that is deleted in brackets, is TATT[delT]CTAG. The deletion causes a frameshift which changes a Serine to a Leucine at codon 2616, and creates a premature stop codon at position 32 of the new reading frame. This variant is predicted to cause loss of normal protein function through either protein truncation or nonsense-mediated mRNA decay. BRCA2 c.7846delT has been observed in individuals with hereditary breast and/or ovarian cancer (Meindl 2002, Tea 2014). We consider this variant to be pathogenic.

Consortium of Investigators of Modifiers of BRCA1/2 (CIMBA), c/o University of Cambridge
Classification: Pathogenic for Breast-ovarian cancer, familial, susceptibility to, 2. Last evaluated: 2015-10-02. Review status: criteria provided, single submitter. Criteria: CIMBA Mutation Classification guidelines May 2016. Collection method: clinical testing. Allele origin: germline. Not counted in ClinVar's aggregate classification.

Institute of Human Genetics, Medical University Innsbruck
Classification: Pathogenic for Breast-ovarian cancer, familial 2. Last evaluated: 2015-02-11. Review status: no assertion criteria provided. Criteria: clinical testing. Collection method: clinical testing. Allele origin: germline. Affected: yes. Study: BRCA-Tyrol. Not counted in ClinVar's aggregate classification.
Comment: BRCA-mutation spectrum Western Austria

Research Molecular Genetics Laboratory, Women's College Hospital, University of Toronto
Classification: Pathogenic for Hereditary breast ovarian cancer syndrome. Last evaluated: 2014-01-31. Review status: no assertion criteria provided. Collection method: research. Allele origin: germline. Affected: yes. Study: The Canadian Open Genetics Repository (COGR). Not counted in ClinVar's aggregate classification.

Literature cited by the submitters: PubMed 2377269 (cited by Color Diagnostics, LLC DBA Color Health); PubMed 11802209 (cited by Color Diagnostics, LLC DBA Color Health and Labcorp Genetics (formerly Invitae), Labcorp); PubMed 20104584 (cited by Labcorp Genetics (formerly Invitae), Labcorp); PubMed 24156927 (cited by Labcorp Genetics (formerly Invitae), Labcorp).